The following is an entry in ClinVar:

ClinVar aggregate classification (germline): Pathogenic/Likely pathogenic. Review status: criteria provided, multiple submitters, no conflicts (2 of 4 stars). 4 submissions from 4 submitters: Pathogenic (2); Likely pathogenic (1). 1 of the submissions does not count toward it. Last evaluated 2025-05-05.

Conditions:
Neurodevelopmental disorder with or without hyperkinetic movements and seizures, autosomal dominant. Also called: Intellectual disability, autosomal dominant 8. Identifiers: MedGen C3280282, MONDO:0013655, OMIM 614254.

Submissions (4):

GeneDx
Classification: Pathogenic. Last evaluated: 2025-05-05. Review status: criteria provided, single submitter. Criteria: GeneDx Variant Classification Process June 2021. Collection method: clinical testing. Allele origin: germline. Affected: yes.
Comment: Published functional studies demonstrate a the variant disrupts normal protein function (PMID: 29365063); Not observed at significant frequency in large population cohorts (gnomAD); In silico analysis indicates that this missense variant does not alter protein structure/function; This variant is associated with the following publications: (PMID: 29365063, 35599849, 37486637)

Labcorp Genetics (formerly Invitae), Labcorp
Classification: Pathogenic for Neurodevelopmental disorder with or without hyperkinetic movements and seizures, autosomal dominant. Last evaluated: 2022-02-25. Review status: criteria provided, single submitter. Criteria: Invitae Variant Classification Sherloc (09022015). Collection method: clinical testing. Allele origin: germline.
Comment: For these reasons, this variant has been classified as Pathogenic. This sequence change replaces arginine, which is basic and polar, with glutamine, which is neutral and polar, at codon 794 of the GRIN1 protein (p.Arg794Gln). This variant is not present in population databases (gnomAD no frequency). This missense change has been observed in individual(s) with clinical features of GRIN1-related conditions (PMID: 29365063). In at least one individual the variant was observed to be de novo. ClinVar contains an entry for this variant (Variation ID: 435376). Advanced modeling of protein sequence and biophysical properties (such as structural, functional, and spatial information, amino acid conservation, physicochemical variation, residue mobility, and thermodynamic stability) performed at Invitae indicates that this missense variant is expected to disrupt GRIN1 protein function. Experimental studies have shown that this missense change affects GRIN1 function (PMID: 29365063).

Genetic Services Laboratory, University of Chicago
Classification: Likely pathogenic for Mental retardation, autosomal dominant 8. Last evaluated: 2016-12-28. Review status: criteria provided, single submitter. Criteria: ACMG Guidelines, 2015. Collection method: clinical testing. Allele origin: germline. Affected: yes.

Molecular Genetics Laboratory, BC Children's and BC Women's Hospitals
Classification: Likely pathogenic for Neurodevelopmental disorder with or without hyperkinetic movements and seizures, autosomal dominant. Last evaluated: 2016-02-02. Review status: no assertion criteria provided. Criteria: ACMG Guidelines, 2015. Collection method: clinical testing. Allele origin: de novo. Affected: yes. Not counted in ClinVar's aggregate classification.

Literature cited by the submitters: PubMed 29365063 (cited by Labcorp Genetics (formerly Invitae), Labcorp).

NM_007327.4(GRIN1):c.2381G>A (p.Arg794Gln)

Gene: GRIN1 (glutamate ionotropic receptor NMDA type subunit 1; plus strand). Cytogenetic location: 9q34.3.
Variant type: single nucleotide variant.
Coding change: c.2381G>A on transcript NM_007327.4 (MANE Select); coding-DNA position 2381, G replaced by A.
Protein change: p.Arg794Gln; replaces arginine 794 with glutamine.
Molecular consequence: missense variant.
Genome position (GRCh38, 1-based): chr9:137,163,606, G>A. VCF-style: chr9-137163606-G-A. GRCh37 (hg19) VCF-style: chr9-140058058-G-A.
Other names: c.2381G>A, p.Arg794Gln (NM_000832.7, NM_021569.4); c.2444G>A, p.Arg815Gln (NM_001185090.2, NM_001185091.2); short protein forms R794Q, R815Q.
Identifiers: ClinVar variation 435376 (VCV000435376.11), dbSNP rs781053477, ClinGen allele CA375725439.